The following is an entry in ClinVar:

ClinVar aggregate classification (germline): Likely benign (1 of 4 stars; one submission).

gnomAD v4.1: 46 of 1,613,960 alleles (0.0029%); highest among the groups gnomAD compares: Non-Finnish European, 0.0038%; no homozygotes.

Submission:

CeGaT Center for Human Genetics Tuebingen
Classification: Likely benign. Last evaluated: 2026-01-01. Review status: criteria provided, single submitter. Criteria: CeGaT Center For Human Genetics Tuebingen Variant Classification Criteria Version 2. Collection method: clinical testing. Allele origin: germline. Affected: yes. Observed: 1 variant allele.
Comment: ATXN7: BP4, BP7

NM_001377405.1(ATXN7):c.825G>A (p.Gly275=)

Gene: ATXN7 (ataxin 7; plus strand). Cytogenetic location: 3p14.1.
Variant type: single nucleotide variant.
Coding change: c.825G>A on transcript NM_001377405.1 (MANE Select); coding-DNA position 825, G replaced by A.
Protein change: p.Gly275=; no amino-acid change (glycine 275 retained).
Molecular consequence: synonymous variant.
Genome position (GRCh38, 1-based): chr3:63,982,258, G>A. VCF-style: chr3-63982258-G-A. GRCh37 (hg19) VCF-style: chr3-63967934-G-A.
Other names: c.825G>A, p.Gly275= (NM_000333.4, NM_001177387.1, NM_001377406.1); c.390G>A, p.Gly130= (NM_001128149.3).
Identifiers: ClinVar variation 4822651 (VCV004822651.4).